The following is an entry in ClinVar:

NM_001029883.3(PCARE):c.1074C>T (p.Ser358=)

Gene: PCARE (photoreceptor cilium actin regulator; minus strand). Cytogenetic location: 2p23.2.
Variant type: single nucleotide variant.
Coding change: c.1074C>T on transcript NM_001029883.3 (MANE Select); coding-DNA position 1074, C replaced by T.
Protein change: p.Ser358=; no amino-acid change (serine 358 retained).
Molecular consequence: synonymous variant.
Genome position (GRCh38, 1-based): chr2:29,073,188, G>A on the plus strand (C>T on the coding strand, the complement: PCARE is on the minus strand). VCF-style: chr2-29073188-G-A. GRCh37 (hg19) VCF-style: chr2-29296054-G-A.
Other names: c.1074C>T (NM_001029883.2).
Identifiers: ClinVar variation 3002745 (VCV003002745.4), dbSNP rs774763644, ClinGen allele CA1592506.

ClinVar aggregate classification (germline): Likely benign. Review status: criteria provided, multiple submitters, no conflicts (2 of 4 stars). 2 submissions from 2 submitters: Likely benign (2). Last evaluated 2025-04-20.

Conditions:
PCARE-related disorder. Also called: PCARE-related condition.

Allele frequency attached by ClinVar (database versions not stated): gnomAD 0.00001; gnomAD exomes 0.00001; TOPMed 0.00001; ExAC 0.00002.
gnomAD v4.1: 9 of 1,613,990 alleles (0.00056%); highest among the groups gnomAD compares: Admixed American, 0.0033%; no homozygotes.

Submissions (2):

PreventionGenetics, part of Exact Sciences
Classification: Likely benign for PCARE-related condition. Last evaluated: 2025-04-20. Review status: criteria provided, single submitter. Criteria: ACMG Guidelines, 2015. Collection method: clinical testing. Allele origin: germline.
Comment: This variant is classified as likely benign based on ACMG/AMP sequence variant interpretation guidelines (Richards et al. 2015 PMID: 25741868, with internal and published modifications).

Labcorp Genetics (formerly Invitae), Labcorp
Classification: Likely benign. Last evaluated: 2023-09-27. Review status: criteria provided, single submitter. Criteria: Invitae Variant Classification Sherloc (09022015). Collection method: clinical testing. Allele origin: germline.